The following is an entry in ClinVar:

NM_000191.3(HMGCL):c.916_919del (p.Ile306fs)

Gene: HMGCL (3-hydroxy-3-methylglutaryl-CoA lyase; minus strand). Cytogenetic location: 1p36.11.
Variant type: Deletion.
Coding change: c.916_919del on transcript NM_000191.3 (MANE Select); coding-DNA positions 916 to 919, 4 bases deleted (ATCT; older notation c.916_919delATCT).
Protein change: p.Ile306fs; shifts the reading frame from isoleucine 306.
Molecular consequence: frameshift variant.
Genome position (GRCh38, 1-based): chr1:23,802,522-23,802,525, AGAT deleted on the plus strand (ATCT on the coding strand, the reverse complement: HMGCL is on the minus strand); deleting any 4 consecutive bases within chr1:23,802,522-23,802,526 gives the same sequence; the c. name uses the placement nearest the transcript's 3' end. VCF-style (leftmost placement, unchanged base first): chr1-23802521-CAGAT-C. GRCh37 (hg19) VCF-style: chr1-24129011-CAGAT-C.
Other names: c.703_706del, p.Ile235fs (NM_001166059.2); short protein forms I306fs, I235fs.
Identifiers: ClinVar variation 5004545 (VCV005004545.1).

ClinVar aggregate classification (germline): Uncertain significance (1 of 4 stars; one submission).

Conditions:
Deficiency of hydroxymethylglutaryl-CoA lyase (HMGCLD). Also called: Defect in leucine metabolism; 3-hydroxy-3-methylglutaric aciduria; HMG-CoA LYASE DEFICIENCY; HMGCL DEFICIENCY; HYDROXYMETHYLGLUTARIC ACIDURIA. Identifiers: Orphanet 20, MedGen C1533587, MONDO:0009520, OMIM 246450.

Submission:

Myriad Genetics, Inc.
Classification: Uncertain significance for Deficiency of hydroxymethylglutaryl-CoA lyase. Last evaluated: 2026-03-23. Review status: criteria provided, single submitter. Criteria: Myriad Autosomal Dominant, Autosomal Recessive and X-Linked Classification Criteria (2023). Collection method: clinical testing. Allele origin: unknown.
Comment: NM_000191.2(HMGCL):c.916_919delATCT(I306Vfs*4) is a frameshift variant classified as a variant of uncertain significance in the context of HMG-CoA lyase deficiency. I306Vfs*4 has not been observed in cases with relevant disease. Relevant functional assessments of this variant are not available in the literature. I306Vfs*4 has not been observed in referenced population frequency databases. In summary, there is insufficient evidence to classify NM_000191.2(HMGCL):c.916_919delATCT(I306Vfs*4) as pathogenic or benign. Please note: this variant was assessed in the context of healthy population screening.